The following is an entry in ClinVar:

ClinVar aggregate classification (germline): Uncertain significance (1 of 4 stars; one submission).

Conditions:
Neurofibromatosis, type 1 (NF1). Also called: Peripheral type neurofibromatosis; Neurofibromatosis, type I; VON RECKLINGHAUSEN DISEASE; NEUROFIBROMATOSIS, TYPE I, SOMATIC. Identifiers: Orphanet 636, MedGen C0027831, MONDO:0018975, OMIM 162200. Disease mechanism: loss of function.

Submission:

Labcorp Genetics (formerly Invitae), Labcorp
Classification: Uncertain significance for Neurofibromatosis, type 1. Last evaluated: 2023-03-07. Review status: criteria provided, single submitter. Criteria: Invitae Variant Classification Sherloc (09022015). Collection method: clinical testing. Allele origin: germline.
Comment: In summary, the available evidence is currently insufficient to determine the role of this variant in disease. Therefore, it has been classified as a Variant of Uncertain Significance. Advanced modeling of protein sequence and biophysical properties (such as structural, functional, and spatial information, amino acid conservation, physicochemical variation, residue mobility, and thermodynamic stability) performed at Invitae indicates that this missense variant is not expected to disrupt NF1 protein function. This variant has not been reported in the literature in individuals affected with NF1-related conditions. This variant is not present in population databases (gnomAD no frequency). This sequence change replaces isoleucine, which is neutral and non-polar, with leucine, which is neutral and non-polar, at codon 2527 of the NF1 protein (p.Ile2527Leu).

NM_001042492.3(NF1):c.7642A>T (p.Ile2548Leu)

Gene: NF1 (neurofibromin 1; plus strand). Cytogenetic location: 17q11.2.
Variant type: single nucleotide variant.
Coding change: c.7642A>T on transcript NM_001042492.3 (MANE Select); coding-DNA position 7642, A replaced by T.
Protein change: p.Ile2548Leu; replaces isoleucine 2548 with leucine.
Molecular consequence: missense variant.
Genome position (GRCh38, 1-based): chr17:31,356,486, A>T. VCF-style: chr17-31356486-A-T. GRCh37 (hg19) VCF-style: chr17-29683504-A-T.
Other names: c.7579A>T, p.Ile2527Leu (NM_000267.4); short protein forms I2527L, I2548L.
Identifiers: ClinVar variation 2870251 (VCV002870251.3), dbSNP rs1555536636, ClinGen allele CA399018032.